The following is an entry in ClinVar:

NM_001737.5(C9):c.656A>G (p.Glu219Gly)

Gene: C9 (complement C9; minus strand). Cytogenetic location: 5p13.1.
Variant type: single nucleotide variant.
Coding change: c.656A>G on transcript NM_001737.5 (MANE Select); coding-DNA position 656, A replaced by G.
Protein change: p.Glu219Gly; replaces glutamic acid 219 with glycine.
Molecular consequence: missense variant.
Genome position (GRCh38, 1-based): chr5:39,315,989, T>C on the plus strand (A>G on the coding strand, the complement: C9 is on the minus strand). VCF-style: chr5-39315989-T-C. GRCh37 (hg19) VCF-style: chr5-39316091-T-C.
Other names: c.656A>G (NM_001737.3); short protein forms E219G.
Identifiers: ClinVar variation 1405174 (VCV001405174.6), dbSNP rs768789173, ClinGen allele CA3246918.

ClinVar aggregate classification (germline): Uncertain significance. Review status: criteria provided, multiple submitters, no conflicts (2 of 4 stars). 2 submissions from 2 submitters: Uncertain significance (2). Last evaluated 2024-12-11.

Conditions:
Inborn genetic diseases. Identifiers: MedGen C0950123, MeSH D030342.

Allele frequency attached by ClinVar (database versions not stated): ExAC 0.00001; gnomAD exomes 0.00002; TOPMed 0.00002; gnomAD 0.00002.
gnomAD v4.1: 27 of 1,612,604 alleles (0.0017%); highest among the groups gnomAD compares: Non-Finnish European, 0.0023%; no homozygotes.

Submissions (2):

Ambry Genetics
Classification: Uncertain significance for Inborn genetic diseases. Last evaluated: 2024-12-11. Review status: criteria provided, single submitter. Criteria: Ambry Variant Classification Scheme 2023. Collection method: clinical testing. Allele origin: germline.

Labcorp Genetics (formerly Invitae), Labcorp
Classification: Uncertain significance. Last evaluated: 2023-08-10. Review status: criteria provided, single submitter. Criteria: Invitae Variant Classification Sherloc (09022015). Collection method: clinical testing. Allele origin: germline.
Comment: In summary, the available evidence is currently insufficient to determine the role of this variant in disease. Therefore, it has been classified as a Variant of Uncertain Significance. Advanced modeling of protein sequence and biophysical properties (such as structural, functional, and spatial information, amino acid conservation, physicochemical variation, residue mobility, and thermodynamic stability) performed at Invitae indicates that this missense variant is expected to disrupt C9 protein function. ClinVar contains an entry for this variant (Variation ID: 1405174). This variant has not been reported in the literature in individuals affected with C9-related conditions. This variant is present in population databases (rs768789173, gnomAD 0.004%). This sequence change replaces glutamic acid, which is acidic and polar, with glycine, which is neutral and non-polar, at codon 219 of the C9 protein (p.Glu219Gly).